The following is an entry in ClinVar:

ClinVar aggregate classification (germline): Benign/Likely benign. Review status: criteria provided, multiple submitters, no conflicts (2 of 4 stars). 5 submissions from 4 submitters: Benign (2); Likely benign (2). 1 of the submissions does not count toward it. Last evaluated 2026-04-01.

Conditions:
DCTN1-related disorder. Also called: DCTN1-related condition.
Perry syndrome. Also called: PARKINSONISM WITH ALVEOLAR HYPOVENTILATION AND MENTAL DEPRESSION. Identifiers: Orphanet 178509, MedGen C1868594, MONDO:0008201, OMIM 168605.
Neuronopathy, distal hereditary motor, type 7B. Also called: HMN VIIB; LOWER MOTOR NEURON DISEASE, DYNACTIN TYPE; Distal Hereditary Motor Neuronopathy Type 7B (dHMN7B); NEURONOPATHY, DISTAL HEREDITARY MOTOR, AUTOSOMAL DOMINANT 14; NEURONOPATHY, DISTAL HEREDITARY MOTOR, HARDING TYPE VIIB; NEUROPATHY, DISTAL HEREDITARY MOTOR, HARDING TYPE VIIB. Identifiers: Orphanet 139589, MedGen C1843315, MONDO:0011879, OMIM 607641.
Amyotrophic lateral sclerosis type 1 (ALS1). Also called: AMYOTROPHIC LATERAL SCLEROSIS 1, FAMILIAL. Identifiers: Orphanet 803, MedGen C1862939, MONDO:0007103, OMIM 105400.

Allele frequency attached by ClinVar (database versions not stated): TOPMed 0.00013; gnomAD 0.00016.
gnomAD v4.1: 36 of 1,589,374 alleles (0.0023%); highest among the groups gnomAD compares: African/African-American, 0.027%; no homozygotes.

Submissions (5):

CeGaT Center for Human Genetics Tuebingen
Classification: Likely benign. Last evaluated: 2026-04-01. Review status: criteria provided, single submitter. Criteria: CeGaT Center For Human Genetics Tuebingen Variant Classification Criteria Version 2. Collection method: clinical testing. Allele origin: germline. Affected: yes. Observed: 2 variant alleles.
Comment: DCTN1: BP4, BP7

Labcorp Genetics (formerly Invitae), Labcorp
Classification: Likely benign for Amyotrophic lateral sclerosis type 1; Neuronopathy, distal hereditary motor, type 7B; Perry syndrome. Last evaluated: 2025-12-24. Review status: criteria provided, single submitter. Criteria: Invitae Variant Classification Sherloc (09022015). Collection method: clinical testing. Allele origin: germline.

Illumina Laboratory Services, Illumina
Classification: Benign for Neuronopathy, distal hereditary motor, type 7B. Last evaluated: 2018-03-26. Review status: criteria provided, single submitter. Criteria: ICSL Variant Classification Criteria 13 December 2019. Collection method: clinical testing. Allele origin: germline.
Comment: This variant was observed in the ICSL laboratory as part of a predisposition screen in an ostensibly healthy population. It had not been previously curated by ICSL or reported in the Human Gene Mutation Database (HGMD: prior to June 1st, 2018), and was therefore a candidate for classification through an automated scoring system. Utilizing variant allele frequency, disease prevalence and penetrance estimates, and inheritance mode, an automated score was calculated to assess if this variant is too frequent to cause the disease. Based on the score and internal cut-off values, a variant classified as benign is not then subjected to further curation. The score for this variant resulted in a classification of benign for this disease.

Illumina Laboratory Services, Illumina
Classification: Benign for Perry syndrome. Last evaluated: 2018-03-26. Review status: criteria provided, single submitter. Criteria: ICSL Variant Classification Criteria 13 December 2019. Collection method: clinical testing. Allele origin: germline.
Comment: the same text as in the submission from Illumina Laboratory Services, Illumina above.

PreventionGenetics, part of Exact Sciences
Classification: Likely benign for DCTN1-related condition. Last evaluated: 2024-05-23. Review status: no assertion criteria provided. Collection method: clinical testing. Allele origin: germline. Not counted in ClinVar's aggregate classification.
Comment: This variant is classified as likely benign based on ACMG/AMP sequence variant interpretation guidelines (Richards et al. 2015 PMID: 25741868, with internal and published modifications).

NM_004082.5(DCTN1):c.570G>A (p.Pro190=)

Gene: DCTN1 (dynactin subunit 1; minus strand). Cytogenetic location: 2p13.1.
Variant type: single nucleotide variant.
Coding change: c.570G>A on transcript NM_004082.5 (MANE Select); coding-DNA position 570, G replaced by A.
Protein change: p.Pro190=; no amino-acid change (proline 190 retained).
Molecular consequence: synonymous variant. On other transcripts: non-coding transcript variant (1).
Genome position (GRCh38, 1-based): chr2:74,371,612, C>T on the plus strand (G>A on the coding strand, the complement: DCTN1 is on the minus strand). VCF-style: chr2-74371612-C-T. GRCh37 (hg19) VCF-style: chr2-74598739-C-T.
Other names: c.510G>A, p.Pro170= (NM_001135040.3); c.168G>A, p.Pro56= (NM_001135041.3, NM_023019.4); c.459G>A, p.Pro153= (NM_001190836.2); c.549G>A, p.Pro183= (NM_001190837.2); c.519G>A, p.Pro173= (NM_001378991.1); c.501G>A, p.Pro167= (NM_001378992.1).
Identifiers: ClinVar variation 775482 (VCV000775482.18), dbSNP rs528908728, ClinGen allele CA1722377.